The following is an entry in ClinVar:

ClinVar aggregate classification (germline): Uncertain significance (1 of 4 stars; one submission).

Conditions:
Congenital muscular hypertrophy-cerebral syndrome (CDLS2). Also called: SMC1A-Related Cornelia de Lange Syndrome; Cornelia de Lange syndrome 2. Identifiers: Orphanet 199, MedGen C1802395, MONDO:0010370, OMIM 300590.

Submission:

Labcorp Genetics (formerly Invitae), Labcorp
Classification: Uncertain significance for Congenital muscular hypertrophy-cerebral syndrome. Last evaluated: 2022-07-06. Review status: criteria provided, single submitter. Criteria: Invitae Variant Classification Sherloc (09022015). Collection method: clinical testing. Allele origin: germline.
Comment: In summary, the available evidence is currently insufficient to determine the role of this variant in disease. Therefore, it has been classified as a Variant of Uncertain Significance. Algorithms developed to predict the effect of sequence changes on RNA splicing suggest that this variant may disrupt the consensus splice site. ClinVar contains an entry for this variant (Variation ID: 1519075). This variant has not been reported in the literature in individuals affected with SMC1A-related conditions. This variant is not present in population databases (gnomAD no frequency). This sequence change falls in intron 14 of the SMC1A gene. It does not directly change the encoded amino acid sequence of the SMC1A protein.

NM_006306.4(SMC1A):c.2314-15G>A

Gene: SMC1A (structural maintenance of chromosomes 1A; minus strand). Cytogenetic location: Xp11.22.
Variant type: single nucleotide variant.
Coding change: c.2314-15G>A on transcript NM_006306.4 (MANE Select); 15 bases into the intron before coding-DNA position 2314, G replaced by A.
Molecular consequence: intron variant.
Genome position (GRCh38, 1-based): chrX:53,403,687, C>T on the plus strand (G>A on the coding strand, the complement: SMC1A is on the minus strand). VCF-style: chrX-53403687-C-T. GRCh37 (hg19) VCF-style: chrX-53430619-C-T.
Other names: c.2248-15G>A (NM_001281463.1).
Identifiers: ClinVar variation 1519075 (VCV001519075.8), dbSNP rs2146598343, ClinGen allele CA2573158986.